The following is an entry in ClinVar:

ClinVar aggregate classification (germline): Uncertain significance (1 of 4 stars; one submission).

Allele frequency attached by ClinVar (database versions not stated): gnomAD exomes 0.00008; ExAC 0.00017; gnomAD 0.00003; TOPMed 0.00008.
gnomAD v4.1: 50 of 1,613,652 alleles (0.0031%); highest among the groups gnomAD compares: Admixed American, 0.083%; no homozygotes.

Submission:

Labcorp Genetics (formerly Invitae), Labcorp
Classification: Uncertain significance. Last evaluated: 2024-01-08. Review status: criteria provided, single submitter. Criteria: Invitae Variant Classification Sherloc (09022015). Collection method: clinical testing. Allele origin: germline.
Comment: This sequence change replaces lysine, which is basic and polar, with arginine, which is basic and polar, at codon 389 of the ZDBF2 protein (p.Lys389Arg). This variant is present in population databases (rs759326102, gnomAD 0.1%), and has an allele count higher than expected for a pathogenic variant. This variant has not been reported in the literature in individuals affected with ZDBF2-related conditions. ClinVar contains an entry for this variant (Variation ID: 2051494). An algorithm developed to predict the effect of missense changes on protein structure and function (PolyPhen-2) suggests that this variant is likely to be disruptive. In summary, the available evidence is currently insufficient to determine the role of this variant in disease. Therefore, it has been classified as a Variant of Uncertain Significance.

NM_020923.3(ZDBF2):c.1166A>G (p.Lys389Arg)

Gene: ZDBF2 (zinc finger DBF-type containing 2; plus strand). Cytogenetic location: 2q33.3.
Variant type: single nucleotide variant.
Coding change: c.1166A>G on transcript NM_020923.3 (MANE Select); coding-DNA position 1166, A replaced by G.
Protein change: p.Lys389Arg; replaces lysine 389 with arginine.
Molecular consequence: missense variant.
Genome position (GRCh38, 1-based): chr2:206,305,694, A>G. VCF-style: chr2-206305694-A-G. GRCh37 (hg19) VCF-style: chr2-207170418-A-G.
Other names: c.1160A>G, p.Lys387Arg (NM_001285549.2); c.1166A>G, p.Lys389Arg (NM_001369654.1); short protein forms K387R, K389R.
Identifiers: ClinVar variation 2051494 (VCV002051494.4), dbSNP rs759326102, ClinGen allele CA2071813.